The following is an entry in ClinVar:

NM_030962.4(SBF2):c.559C>G (p.Pro187Ala)

Gene: SBF2 (SET binding factor 2; minus strand). Cytogenetic location: 11p15.4.
Variant type: single nucleotide variant.
Coding change: c.559C>G on transcript NM_030962.4 (MANE Select); coding-DNA position 559, C replaced by G.
Protein change: p.Pro187Ala; replaces proline 187 with alanine.
Molecular consequence: missense variant.
Genome position (GRCh38, 1-based): chr11:10,028,512, G>C on the plus strand (C>G on the coding strand, the complement: SBF2 is on the minus strand). VCF-style: chr11-10028512-G-C. GRCh37 (hg19) VCF-style: chr11-10050059-G-C.
Other names: c.559C>G, p.Pro187Ala (NM_001386339.1, NM_001386342.1); c.595C>G, p.Pro199Ala (NM_001424318.1, NM_001425069.1, NM_001425070.1); short protein forms P187A, P199A.
Identifiers: ClinVar variation 4798125 (VCV004798125.1).

ClinVar aggregate classification (germline): Uncertain significance (1 of 4 stars; one submission).

Conditions:
Charcot-Marie-Tooth disease type 4. Also called: Charcot-Marie-Tooth, Type 4; Charcot-Marie-Tooth disease, type IV. Identifiers: Orphanet 64749, MedGen C4082197, MONDO:0018995.

gnomAD v4.1: 5 of 1,613,880 alleles (0.00031%); highest among the groups gnomAD compares: Non-Finnish European, 0.00042%; no homozygotes.

Submission:

Labcorp Genetics (formerly Invitae), Labcorp
Classification: Uncertain significance for Charcot-Marie-Tooth disease type 4. Last evaluated: 2025-05-04. Review status: criteria provided, single submitter. Criteria: Invitae Variant Classification Sherloc (09022015). Collection method: clinical testing. Allele origin: germline.
Comment: This sequence change replaces proline, which is neutral and non-polar, with alanine, which is neutral and non-polar, at codon 187 of the SBF2 protein (p.Pro187Ala). This variant is not present in population databases (gnomAD no frequency). This variant has not been reported in the literature in individuals affected with SBF2-related conditions. Invitae Evidence Modeling of protein sequence and biophysical properties (such as structural, functional, and spatial information, amino acid conservation, physicochemical variation, residue mobility, and thermodynamic stability) indicates that this missense variant is not expected to disrupt SBF2 protein function with a negative predictive value of 80%. In summary, the available evidence is currently insufficient to determine the role of this variant in disease. Therefore, it has been classified as a Variant of Uncertain Significance.